The following is an entry in ClinVar:

NC_000002.11:g.(?_241808273)_(241808789_?)del

Gene: AGXT (alanine--glyoxylate aminotransferase; plus strand). Cytogenetic location: 2q37.3.
Variant type: Deletion.
Identifiers: ClinVar variation 3247433 (VCV003247433.1).

ClinVar aggregate classification (germline): Pathogenic (1 of 4 stars; one submission).

Submission:

Labcorp Genetics (formerly Invitae), Labcorp
Classification: Pathogenic. Last evaluated: 2022-10-25. Review status: criteria provided, single submitter. Criteria: Invitae Variant Classification Sherloc (09022015). Collection method: clinical testing. Allele origin: unknown.
Comment: For these reasons, this variant has been classified as Pathogenic. This variant has not been reported in the literature in individuals affected with AGXT-related conditions. This variant is a gross deletion of the genomic region encompassing exon(s) 1-2 of the AGXT gene, which includes the initiator codon. This deletion extends beyond the assayed region for this gene and therefore may encompass additional genes. It is expected to result in an absent or disrupted protein product. Loss-of-function variants in AGXT are known to be pathogenic (PMID: 19479957).

Literature cited by the submitters: PubMed 19479957.